The following is an entry in ClinVar:

NM_033109.5(PNPT1):c.2144G>A (p.Arg715Gln)

Gene: PNPT1 (polyribonucleotide nucleotidyltransferase 1; minus strand). Cytogenetic location: 2p16.1.
Variant type: single nucleotide variant.
Coding change: c.2144G>A on transcript NM_033109.5 (MANE Select); coding-DNA position 2144, G replaced by A.
Protein change: p.Arg715Gln; replaces arginine 715 with glutamine.
Molecular consequence: missense variant.
Genome position (GRCh38, 1-based): chr2:55,640,631, C>T on the plus strand (G>A on the coding strand, the complement: PNPT1 is on the minus strand). VCF-style: chr2-55640631-C-T. GRCh37 (hg19) VCF-style: chr2-55867766-C-T.
Other names: c.2144G>A (NM_033109.3); short protein forms R715Q.
Identifiers: ClinVar variation 1467957 (VCV001467957.4), dbSNP rs765249456, ClinGen allele CA1667798.
Genomic context (GRCh38, chr2:55,640,631, plus strand): 5'-AATACAGTGTTTCAAGGCAGTTATAAAAATAATAACAATAACATCTGTCTTTTTACCTTT[C>T]GTTGATCAAGTTGTGTGTTATGAAGCAGTACCGCAGTCATATTTGGATATAATTTTACCA-3'
Protein context (NP_149100.2, residues 705-725): VLLHNTQLDQ[Arg715Gln]KIKHPTALGL

ClinVar aggregate classification (germline): Uncertain significance. Review status: criteria provided, multiple submitters, no conflicts (2 of 4 stars). 2 submissions from 2 submitters: Uncertain significance (2). Last evaluated 2022-08-16.

Conditions:
Inborn genetic diseases. Identifiers: MedGen C0950123, MeSH D030342.

Allele frequency attached by ClinVar (database versions not stated): gnomAD exomes below 0.00001; ExAC 0.00001; gnomAD 0.00005; TOPMed 0.00005.
gnomAD v4.1: 11 of 1,579,012 alleles (0.0007%); highest among the groups gnomAD compares: African/African-American, 0.0068%; no homozygotes.

Submissions (2):

Labcorp Genetics (formerly Invitae), Labcorp
Classification: Uncertain significance. Last evaluated: 2022-08-16. Review status: criteria provided, single submitter. Criteria: Invitae Variant Classification Sherloc (09022015). Collection method: clinical testing. Allele origin: germline.
Comment: This sequence change replaces arginine, which is basic and polar, with glutamine, which is neutral and polar, at codon 715 of the PNPT1 protein (p.Arg715Gln). This variant is present in population databases (rs765249456, gnomAD 0.01%). This variant has not been reported in the literature in individuals affected with PNPT1-related conditions. ClinVar contains an entry for this variant (Variation ID: 1467957). Advanced modeling of protein sequence and biophysical properties (such as structural, functional, and spatial information, amino acid conservation, physicochemical variation, residue mobility, and thermodynamic stability) performed at Invitae indicates that this missense variant is expected to disrupt PNPT1 protein function. In summary, the available evidence is currently insufficient to determine the role of this variant in disease. Therefore, it has been classified as a Variant of Uncertain Significance.

Ambry Genetics
Classification: Uncertain significance for Inborn genetic diseases. Last evaluated: 2021-11-12. Review status: criteria provided, single submitter. Criteria: Ambry Variant Classification Scheme 2023. Collection method: clinical testing. Allele origin: germline.